The following is an entry in ClinVar:

ClinVar aggregate classification (germline): Likely benign. Review status: criteria provided, multiple submitters, no conflicts (2 of 4 stars). 3 submissions from 3 submitters: Likely benign (3). Last evaluated 2026-03-26.

Conditions:
Cardiovascular phenotype. Identifiers: MedGen CN230736.
MYH6-related disorder. Also called: MYH6-related condition; MYH6-Related Disorders.
Hypertrophic cardiomyopathy 14. Identifiers: MedGen C2750467, MONDO:0013197, OMIM 613251.

gnomAD v4.1: 20 of 1,614,076 alleles (0.0012%); highest among the groups gnomAD compares: Non-Finnish European, 0.0017%; no homozygotes.

Submissions (3):

PreventionGenetics, part of Exact Sciences
Classification: Likely benign for MYH6-related condition. Last evaluated: 2026-03-26. Review status: criteria provided, single submitter. Criteria: ACMG Guidelines, 2015. Collection method: clinical testing. Allele origin: germline.
Comment: This variant is classified as likely benign based on ACMG/AMP sequence variant interpretation guidelines (Richards et al. 2015 PMID: 25741868, with internal and published modifications).

Labcorp Genetics (formerly Invitae), Labcorp
Classification: Likely benign for Hypertrophic cardiomyopathy 14. Last evaluated: 2025-12-16. Review status: criteria provided, single submitter. Criteria: Invitae Variant Classification Sherloc (09022015). Collection method: clinical testing. Allele origin: germline.

Ambry Genetics
Classification: Likely benign for Cardiovascular phenotype. Last evaluated: 2024-12-21. Review status: criteria provided, single submitter. Criteria: Ambry Variant Classification Scheme 2023. Collection method: clinical testing. Allele origin: germline.

NM_002471.4(MYH6):c.5202G>A (p.Ser1734=)

Gene: MYH6 (myosin heavy chain 6; minus strand). Cytogenetic location: 14q11.2.
Variant type: single nucleotide variant.
Coding change: c.5202G>A on transcript NM_002471.4 (MANE Select); coding-DNA position 5202, G replaced by A.
Protein change: p.Ser1734=; no amino-acid change (serine 1734 retained).
Molecular consequence: synonymous variant.
Genome position (GRCh38, 1-based): chr14:23,385,003, C>T on the plus strand (G>A on the coding strand, the complement: MYH6 is on the minus strand). VCF-style: chr14-23385003-C-T. GRCh37 (hg19) VCF-style: chr14-23854212-C-T.
Identifiers: ClinVar variation 3876436 (VCV003876436.3).